The following is an entry in ClinVar:

ClinVar aggregate classification (germline): Uncertain significance (1 of 4 stars; one submission).

Conditions:
Hyperkalemic periodic paralysis. Also called: Familial hyperkalemic periodic paralysis; Gamstorp disease. Identifiers: Orphanet 682, MedGen C0238357, MONDO:0008224, OMIM 170500, HP:0007215.

gnomAD v4.1: 17 of 1,613,850 alleles (0.0011%); highest among the groups gnomAD compares: South Asian, 0.0033%; no homozygotes.

Submission:

Labcorp Genetics (formerly Invitae), Labcorp
Classification: Uncertain significance for Hyperkalemic periodic paralysis. Last evaluated: 2025-03-11. Review status: criteria provided, single submitter. Criteria: Invitae Variant Classification Sherloc (09022015). Collection method: clinical testing. Allele origin: germline.
Comment: This sequence change replaces proline, which is neutral and non-polar, with leucine, which is neutral and non-polar, at codon 285 of the SCN4A protein (p.Pro285Leu). This variant is present in population databases (rs373856765, gnomAD 0.003%). This variant has not been reported in the literature in individuals affected with SCN4A-related conditions. Invitae Evidence Modeling of protein sequence and biophysical properties (such as structural, functional, and spatial information, amino acid conservation, physicochemical variation, residue mobility, and thermodynamic stability) has been performed for this missense variant. However, the output from this modeling did not meet the statistical confidence thresholds required to predict the impact of this variant on SCN4A protein function. In summary, the available evidence is currently insufficient to determine the role of this variant in disease. Therefore, it has been classified as a Variant of Uncertain Significance.

NM_000334.4(SCN4A):c.854C>T (p.Pro285Leu)

Gene: SCN4A (sodium voltage-gated channel alpha subunit 4; minus strand). Cytogenetic location: 17q23.3.
Variant type: single nucleotide variant.
Coding change: c.854C>T on transcript NM_000334.4 (MANE Select); coding-DNA position 854, C replaced by T.
Protein change: p.Pro285Leu; replaces proline 285 with leucine.
Molecular consequence: missense variant.
Genome position (GRCh38, 1-based): chr17:63,968,205, G>A on the plus strand (C>T on the coding strand, the complement: SCN4A is on the minus strand). VCF-style: chr17-63968205-G-A. GRCh37 (hg19) VCF-style: chr17-62045565-G-A.
Other names: short protein forms P285L.
Identifiers: ClinVar variation 3660253 (VCV003660253.2).